The following is an entry in ClinVar:

ClinVar aggregate classification (germline): Uncertain significance (1 of 4 stars; one submission).

Conditions:
Polycystic kidney disease 2 (PKD2). Also called: Polycystic Kidney Disease 2, Autosomal Dominant; POLYCYSTIC KIDNEY DISEASE, ADULT, TYPE II; POLYCYSTIC KIDNEY DISEASE 2 WITH OR WITHOUT POLYCYSTIC LIVER DISEASE. Identifiers: MedGen C2751306, MONDO:0013131, OMIM 613095.

Submission:

Victorian Clinical Genetics Services, Murdoch Childrens Research Institute
Classification: Uncertain significance for Polycystic kidney disease 2. Last evaluated: 2026-02-19. Review status: criteria provided, single submitter. Criteria: ACMG Guidelines, 2015. Collection method: clinical testing. Allele origin: germline. Affected: yes.
Comment: This variant is classified as VUS-3A. Evidence in support of pathogenic classification: Variant is absent from gnomAD (v2, v3 and v4); This variant has limited previous evidence of pathogenicity in an unrelated individual. Another variant with the same protein outcome has been reported as likely pathogenic and observed in a single individual with limited clinical information; Missense variant predicted to be damaging by in silico tool(s) or highly conserved with a major amino acid change. Additional information: Variant is predicted to result in a missense amino acid change from Asn to Lys; This variant is heterozygous; This gene is associated with autosomal dominant disease; Alternative amino acid change(s) at the same position are present in gnomAD (highest allele count: v4: 1 heterozygote(s), 0 homozygote(s)); No published evidence of segregation with disease has been identified for this variant; This variant has moderate functional evidence supporting abnormal protein function. Transfected Xenopus oocytes demonstrated reduced current channel activity using voltage clamping studies (PMIDs: 37028763, 41005473). However, voltage clamp assays have been shown to be unreliable, therefore results from these studies are used with caution during variant classification; No comparable missense variants have previous evidence for pathogenicity; Variant is located in the annotated transmembrane helices of the polycystin cation channel (DECIPHER, PMID: 37028763); Loss of function is a known mechanism of disease in this gene and is associated with polycystic kidney disease 2 (MIM#613095); Inheritance information for this variant is not currently available in this individual.

Literature cited by the submitters: PubMed 37028763; PubMed 41005473.

NM_000297.4(PKD2):c.1740C>A (p.Asn580Lys)

Gene: PKD2 (polycystin 2, transient receptor potential cation channel; plus strand). Cytogenetic location: 4q22.1.
Variant type: single nucleotide variant.
Coding change: c.1740C>A on transcript NM_000297.4 (MANE Select); coding-DNA position 1740, C replaced by A.
Protein change: p.Asn580Lys; replaces asparagine 580 with lysine.
Molecular consequence: missense variant. On other transcripts: non-coding transcript variant (1).
Genome position (GRCh38, 1-based): chr4:88,056,109, C>A. VCF-style: chr4-88056109-C-A. GRCh37 (hg19) VCF-style: chr4-88977261-C-A.
Other names: c.1515C>A, p.Asn505Lys (NM_001440544.1); short protein forms N505K, N580K.
Identifiers: ClinVar variation 4879723 (VCV004879723.1).